The following is an entry in ClinVar:

NM_003907.3(EIF2B5):c.2052G>C (p.Trp684Cys)

Gene: EIF2B5 (eukaryotic translation initiation factor 2B subunit epsilon; plus strand). Cytogenetic location: 3q27.1.
Variant type: single nucleotide variant.
Coding change: c.2052G>C on transcript NM_003907.3 (MANE Select); coding-DNA position 2052, G replaced by C.
Protein change: p.Trp684Cys; replaces tryptophan 684 with cysteine.
Molecular consequence: missense variant.
Genome position (GRCh38, 1-based): chr3:184,144,653, G>C. VCF-style: chr3-184144653-G-C. GRCh37 (hg19) VCF-style: chr3-183862441-G-C.
Other names: short protein forms W684C.
Identifiers: ClinVar variation 3654809 (VCV003654809.2).

ClinVar aggregate classification (germline): Uncertain significance (1 of 4 stars; one submission).

Submission:

Labcorp Genetics (formerly Invitae), Labcorp
Classification: Uncertain significance. Last evaluated: 2024-10-07. Review status: criteria provided, single submitter. Criteria: Invitae Variant Classification Sherloc (09022015). Collection method: clinical testing. Allele origin: germline.
Comment: This sequence change replaces tryptophan, which is neutral and slightly polar, with cysteine, which is neutral and slightly polar, at codon 684 of the EIF2B5 protein (p.Trp684Cys). This variant is not present in population databases (gnomAD no frequency). This variant has not been reported in the literature in individuals affected with EIF2B5-related conditions. Invitae Evidence Modeling of protein sequence and biophysical properties (such as structural, functional, and spatial information, amino acid conservation, physicochemical variation, residue mobility, and thermodynamic stability) indicates that this missense variant is expected to disrupt EIF2B5 protein function with a positive predictive value of 80%. In summary, the available evidence is currently insufficient to determine the role of this variant in disease. Therefore, it has been classified as a Variant of Uncertain Significance.